The following is an entry in ClinVar:

ClinVar aggregate classification (germline): Uncertain significance (1 of 4 stars; one submission).

Allele frequency attached by ClinVar (database versions not stated): gnomAD 0.00001; TOPMed 0.00001.
gnomAD v4.1: 15 of 1,613,982 alleles (0.00093%); highest among the groups gnomAD compares: Non-Finnish European, 0.0013%; no homozygotes.

Submission:

Labcorp Genetics (formerly Invitae), Labcorp
Classification: Uncertain significance. Last evaluated: 2023-08-10. Review status: criteria provided, single submitter. Criteria: Invitae Variant Classification Sherloc (09022015). Collection method: clinical testing. Allele origin: germline.
Comment: In summary, the available evidence is currently insufficient to determine the role of this variant in disease. Therefore, it has been classified as a Variant of Uncertain Significance. Advanced modeling of protein sequence and biophysical properties (such as structural, functional, and spatial information, amino acid conservation, physicochemical variation, residue mobility, and thermodynamic stability) performed at Invitae indicates that this missense variant is not expected to disrupt KCNV2 protein function. ClinVar contains an entry for this variant (Variation ID: 1408119). This variant has not been reported in the literature in individuals affected with KCNV2-related conditions. This variant is not present in population databases (gnomAD no frequency). This sequence change replaces proline, which is neutral and non-polar, with arginine, which is basic and polar, at codon 86 of the KCNV2 protein (p.Pro86Arg).

NM_133497.4(KCNV2):c.257C>G (p.Pro86Arg)

Gene: KCNV2 (potassium voltage-gated channel modifier subfamily V member 2; plus strand). Cytogenetic location: 9p24.2.
Variant type: single nucleotide variant.
Coding change: c.257C>G on transcript NM_133497.4 (MANE Select); coding-DNA position 257, C replaced by G.
Protein change: p.Pro86Arg; replaces proline 86 with arginine.
Molecular consequence: missense variant.
Genome position (GRCh38, 1-based): chr9:2,717,996, C>G. VCF-style: chr9-2717996-C-G. GRCh37 (hg19) VCF-style: chr9-2717996-C-G.
Other names: short protein forms P86R.
Identifiers: ClinVar variation 1408119 (VCV001408119.7), dbSNP rs1379886188, ClinGen allele CA372796183.